The following is an entry in ClinVar:

ClinVar aggregate classification (germline): Pathogenic (1 of 4 stars; one submission).

Submission:

GeneDx
Classification: Pathogenic. Last evaluated: 2024-02-15. Review status: criteria provided, single submitter. Criteria: GeneDx Variant Classification Process June 2021. Collection method: clinical testing. Allele origin: germline. Affected: yes.
Comment: Observed in a patient and their parent with features consistent with an ARID1B-related BAFopathy disorder in published literature (PMID: 34440449); Frameshift variant predicted to result in protein truncation or nonsense mediated decay in a gene for which loss of function is a known mechanism of disease; Not observed at significant frequency in large population cohorts (gnomAD); This variant is associated with the following publications: (PMID: 34440449)

NM_001374828.1(ARID1B):c.770dup (p.Pro260fs)

Genes: ARID1B (AT-rich interaction domain 1B; plus strand), LOC115308161 (uncharacterized LOC115308161; minus strand), LOC129997525 (ATAC-STARR-seq lymphoblastoid silent region 17712; plus strand). Cytogenetic location: 6q25.3.
Variant type: Duplication.
Coding change: c.770dup on transcript NM_001374828.1 (MANE Select); coding-DNA position 770, one base duplicated (C; older notation c.770dupC).
Protein change: p.Pro260fs; shifts the reading frame from proline 260.
Molecular consequence: frameshift variant. On other transcripts: non-coding transcript variant (1).
Genome position (GRCh38, 1-based): chr6:156,778,450, C duplicated; the last of 6 consecutive C bases (chr6:156,778,445-156,778,450); duplicating any one gives the same sequence. VCF-style (leftmost placement, unchanged base first): chr6-156778444-A-AC. GRCh37 (hg19) VCF-style: chr6-157099578-A-AC.
Other names: c.770dup, p.Pro260fs (NM_001371656.1, NM_001374820.1, NM_017519.3); c.521dup (NM_020732.3); short protein forms P260fs.
Identifiers: ClinVar variation 3342606 (VCV003342606.1).